The following is an entry in ClinVar:

NM_152594.3(SPRED1):c.962A>C (p.Lys321Thr)

Gene: SPRED1 (sprouty related EVH1 domain containing 1; plus strand). Cytogenetic location: 15q14.
Variant type: single nucleotide variant.
Coding change: c.962A>C on transcript NM_152594.3 (MANE Select); coding-DNA position 962, A replaced by C.
Protein change: p.Lys321Thr; replaces lysine 321 with threonine.
Molecular consequence: missense variant.
Genome position (GRCh38, 1-based): chr15:38,351,291, A>C. VCF-style: chr15-38351291-A-C. GRCh37 (hg19) VCF-style: chr15-38643492-A-C.
Other names: c.962A>C (NM_152594.2); short protein forms K321T.
Identifiers: ClinVar variation 2888438 (VCV002888438.4), dbSNP rs2542743236, ClinGen allele CA391933635.

ClinVar aggregate classification (germline): Uncertain significance. Review status: criteria provided, multiple submitters, no conflicts (2 of 4 stars). 2 submissions from 2 submitters: Uncertain significance (2). Last evaluated 2025-04-06.

Conditions:
Cardiovascular phenotype. Identifiers: MedGen CN230736.
Legius syndrome. Identifiers: Orphanet 137605, MedGen C1969623, MONDO:0012669, OMIM 611431. Disease mechanism: loss of function.

Submissions (2):

Ambry Genetics
Classification: Uncertain significance for Cardiovascular phenotype. Last evaluated: 2025-04-06. Review status: criteria provided, single submitter. Criteria: Ambry Variant Classification Scheme 2023. Collection method: clinical testing. Allele origin: germline.
Comment: The p.K321T variant (also known as c.962A>C), located in coding exon 7 of the SPRED1 gene, results from an A to C substitution at nucleotide position 962. The lysine at codon 321 is replaced by threonine, an amino acid with similar properties. This amino acid position is conserved. In addition, the in silico prediction for this alteration is inconclusive. Based on the available evidence, the clinical significance of this variant remains unclear.

Labcorp Genetics (formerly Invitae), Labcorp
Classification: Uncertain significance for Legius syndrome. Last evaluated: 2023-12-22. Review status: criteria provided, single submitter. Criteria: Invitae Variant Classification Sherloc (09022015). Collection method: clinical testing. Allele origin: germline.
Comment: This sequence change replaces lysine, which is basic and polar, with threonine, which is neutral and polar, at codon 321 of the SPRED1 protein (p.Lys321Thr). This variant is not present in population databases (gnomAD no frequency). This variant has not been reported in the literature in individuals affected with SPRED1-related conditions. Advanced modeling of protein sequence and biophysical properties (such as structural, functional, and spatial information, amino acid conservation, physicochemical variation, residue mobility, and thermodynamic stability) performed at Invitae indicates that this missense variant is not expected to disrupt SPRED1 protein function with a negative predictive value of 80%. In summary, the available evidence is currently insufficient to determine the role of this variant in disease. Therefore, it has been classified as a Variant of Uncertain Significance.